The following is an entry in ClinVar:

NM_001165963.4(SCN1A):c.3149C>T (p.Pro1050Leu)

Genes: SCN1A (sodium voltage-gated channel alpha subunit 1; minus strand), LOC102724058 (uncharacterized LOC102724058; plus strand). Cytogenetic location: 2q24.3.
Variant type: single nucleotide variant.
Coding change: c.3149C>T on transcript NM_001165963.4 (MANE Select); coding-DNA position 3149, C replaced by T.
Protein change: p.Pro1050Leu; replaces proline 1050 with leucine.
Molecular consequence: missense variant. On other transcripts: non-coding transcript variant (2).
Genome position (GRCh38, 1-based): chr2:166,036,328, G>A on the plus strand (C>T on the coding strand, the complement: SCN1A is on the minus strand). VCF-style: chr2-166036328-G-A. GRCh37 (hg19) VCF-style: chr2-166892838-G-A.
Other names: c.3065C>T, p.Pro1022Leu (NM_001165964.3, NM_001353957.2, NM_001353958.2); c.3149C>T, p.Pro1050Leu (NM_001202435.3, NM_001353948.2); c.3116C>T, p.Pro1039Leu (NM_001353949.2, NM_001353950.2, NM_001353951.2 and 2 more transcripts); c.3113C>T, p.Pro1038Leu (NM_001353954.2, NM_001353955.2); c.3062C>T, p.Pro1021Leu (NM_001353960.2); c.707C>T, p.Pro236Leu (NM_001353961.2); short protein forms P1022L, P1038L, P236L, P1021L, P1039L, P1050L.
Identifiers: ClinVar variation 2002954 (VCV002002954.4), dbSNP rs2468078844, ClinGen allele CA349059785.

ClinVar aggregate classification (germline): Uncertain significance (1 of 4 stars; one submission).

Conditions:
Early-infantile DEE. Also called: Early infantile epileptic encephalopathy; Ohtahara syndrome; Early infantile epileptic encephalopathy with suppression bursts. Identifiers: Orphanet 1934, MedGen C0393706, MONDO:0800491.

Submission:

Labcorp Genetics (formerly Invitae), Labcorp
Classification: Uncertain significance for Early-infantile DEE. Last evaluated: 2023-11-27. Review status: criteria provided, single submitter. Criteria: Invitae Variant Classification Sherloc (09022015). Collection method: clinical testing. Allele origin: germline.
Comment: This sequence change replaces proline, which is neutral and non-polar, with leucine, which is neutral and non-polar, at codon 1050 of the SCN1A protein (p.Pro1050Leu). This variant is not present in population databases (gnomAD no frequency). This variant has not been reported in the literature in individuals affected with SCN1A-related conditions. ClinVar contains an entry for this variant (Variation ID: 2002954). Advanced modeling of protein sequence and biophysical properties (such as structural, functional, and spatial information, amino acid conservation, physicochemical variation, residue mobility, and thermodynamic stability) performed at Invitae indicates that this missense variant is not expected to disrupt SCN1A protein function with a negative predictive value of 95%. In summary, the available evidence is currently insufficient to determine the role of this variant in disease. Therefore, it has been classified as a Variant of Uncertain Significance.